The following is an entry in ClinVar:

NM_000287.4(PEX6):c.754T>A (p.Ser252Thr)

Gene: PEX6 (peroxisomal biogenesis factor 6; minus strand). Cytogenetic location: 6p21.1.
Variant type: single nucleotide variant.
Coding change: c.754T>A on transcript NM_000287.4 (MANE Select); coding-DNA position 754, T replaced by A.
Protein change: p.Ser252Thr; replaces serine 252 with threonine.
Molecular consequence: missense variant. On other transcripts: non-coding transcript variant (1), intron variant (1).
Genome position (GRCh38, 1-based): chr6:42,978,397, A>T on the plus strand (T>A on the coding strand, the complement: PEX6 is on the minus strand). VCF-style: chr6-42978397-A-T. GRCh37 (hg19) VCF-style: chr6-42946135-A-T.
Other names: c.618+136T>A (NM_001316313.2); short protein forms S252T.
Identifiers: ClinVar variation 2073956 (VCV002073956.1), dbSNP rs757281751, ClinGen allele CA3811570.
Genomic context (GRCh38, chr6:42,978,397, plus strand): 5'-GCGCCAGTCCGTCAGCGAGGGGCTCTCCCAGCGGTCCAGAGCCGGGTCCCAGTCTATCAG[A>T]GAGGTCCCAGCGAGGTTCTAGGACCTGCACCCTAGCCAAGTGCGGCTGTGAAGTGTTCGA-3'
Protein context (NP_000278.3, residues 242-262): VQVLEPRWDL[Ser252Thr]DRLGPGSGPL

ClinVar aggregate classification (germline): Uncertain significance (1 of 4 stars; one submission).

Conditions:
Peroxisome biogenesis disorder. Identifiers: Orphanet 79189, MedGen C1832200, MONDO:0019234. Disease mechanism: loss of function.

Allele frequency attached by ClinVar (database versions not stated): TOPMed below 0.00001; ExAC 0.00001; gnomAD exomes 0.00001.
gnomAD v4.1: 4 of 1,614,186 alleles (0.00025%); highest among the groups gnomAD compares: Admixed American, 0.0067%; no homozygotes.

Submission:

Labcorp Genetics (formerly Invitae), Labcorp
Classification: Uncertain significance for Peroxisome biogenesis disorder. Last evaluated: 2022-09-27. Review status: criteria provided, single submitter. Criteria: Invitae Variant Classification Sherloc (09022015). Collection method: clinical testing. Allele origin: germline.
Comment: This sequence change replaces serine, which is neutral and polar, with threonine, which is neutral and polar, at codon 252 of the PEX6 protein (p.Ser252Thr). This variant is present in population databases (rs757281751, gnomAD 0.01%). This variant has not been reported in the literature in individuals affected with PEX6-related conditions. Algorithms developed to predict the effect of missense changes on protein structure and function (SIFT, PolyPhen-2, Align-GVGD) all suggest that this variant is likely to be tolerated. In summary, the available evidence is currently insufficient to determine the role of this variant in disease. Therefore, it has been classified as a Variant of Uncertain Significance.